The following continues an entry in ClinVar:

NM_000552.5(VWF):c.7390C>T (p.Arg2464Cys)

Gene: VWF. ClinVar aggregate classification (germline): Pathogenic/Likely pathogenic. Pathogenic (3); Likely pathogenic (11).

Submissions 8 to 16 of 16:

Victorian Clinical Genetics Services, Murdoch Childrens Research Institute
Classification: Pathogenic for von Willebrand disease type 1. Last evaluated: 2023-07-17. Review status: criteria provided, single submitter. Criteria: ACMG Guidelines, 2015. Collection method: clinical testing. Allele origin: germline. Inheritance: Autosomal dominant inheritance.
Comment: Based on the classification scheme VCGS_Germline_v1.3.4, this variant is classified as Pathogenic. Following criteria are met: 0103 - Dominant negative, loss of function, and gain of function are known mechanisms of disease in this gene and are associated with von Willebrand disease (VWD), type 1 (MIM#193400), type 2 (MIM#613554), and type 3 (MIM#277480) (PMID: 19372260, 30488424, 11698279). (I) 0108 - This gene is associated with both recessive and dominant disease. VWD types 1, 2A, 2B, and 2M are inherited in an autosomal dominant pattern, while types 2N and 3 are inherited in an autosomal recessive pattern (OMIM). (I) 0112 - The condition associated with this gene has incomplete penetrance. VWD type 1 has been noted to have reduced penetrance (GeneReviews). (I) 0115 - Variants in this gene are known to have variable expressivity (GeneReviews). (I) 0200 - Variant is predicted to result in a missense amino acid change from arginine to cysteine. (I) 0251 - This variant is heterozygous. (I) 0302 - Variant is present in gnomAD (v2) <0.001 for a dominant condition (23 heterozygotes, 0 homozygotes). (SP) 0309 - An alternative amino acid change at the same position has been observed in gnomAD (v2; highest allele frequency: 12 heterozygotes, 0 homozygotes). (I) 0502 - Missense variant with conflicting in silico predictions and uninformative conservation. (I) 0600 - Variant is located in the annotated von Willebrand factor type C domain (Pfam). (I) 0705 - No comparable missense variants have previous evidence for pathogenicity. (I) 0801 - This variant has strong previous evidence of pathogenicity in unrelated individuals. This variant has been reported multiple times in the ClinVar database and the literature in individuals with von Willebrand disease type 1, typically in the heterozygous state (PMID: 16985174, 17190853, 31249928). (SP) 1002 - This variant has moderate functional evidence supporting abnormal protein function. In vitro studies on this variant indicate that it causes a multimerisation defect (PMID: 19566550, 18315556). (SP) 1208 - Inheritance information for this variant is not currently available in this individual. (I) Legend: (SP) - Supporting pathogenic, (I) - Information, (SB) - Supporting benign

Quest Diagnostics Nichols Institute San Juan Capistrano
Classification: Likely pathogenic. Last evaluated: 2023-02-03. Review status: criteria provided, single submitter. Criteria: Quest Diagnostics criteria. Collection method: clinical testing. Allele origin: unknown.
Comment: The frequency of this variant in the general population, 0.00013 (17/128840 chromosomes), is uninformative in assessment of its pathogenicity. In the published literature, this variant has been reported in individuals with type 1 von Willebrand disease (VWD) (PMIDs: 34272389 (2021), 33556167 (2021), 31249928 (2018), 16985174 (2007) and 17190853 (2007)). Functional studies have shown that this variant results in a mild reduction of secreted VWF and an abnormal fast-running and smeary VWF multimer profile (PMIDs: 17200787 (2007), 16985174 (2007), 18315556 (2008), and 19566550 (2009)). Analysis of this variant using bioinformatics tools for the prediction of the effect of amino acid changes on protein structure and function yielded predictions that this variant is damaging. Based on the available information, this variant is classified as likely pathogenic.

Department of Pathology and Laboratory Medicine, Sinai Health System
Classification: Likely pathogenic for von Willebrand disease type 1; von Willebrand disease type 3. Last evaluated: 2022-04-05. Review status: criteria provided, single submitter. Criteria: ACMG Guidelines, 2015. Collection method: research. Allele origin: germline.

Genetics and Molecular Pathology, SA Pathology
Classification: Likely pathogenic for von Willebrand disease type 1. Last evaluated: 2021-09-03. Review status: criteria provided, single submitter. Criteria: ACMG Guidelines, 2015. Collection method: clinical testing. Allele origin: germline. Affected: yes.

Revvity Omics, Revvity
Classification: Likely pathogenic. Last evaluated: 2021-01-15. Review status: criteria provided, single submitter. Criteria: ACMG Guidelines, 2015. Collection method: clinical testing. Allele origin: germline.

Laboratory of Hematology, Radboud University Medical Center
Classification: Pathogenic for von Willebrand disease type 1. Last evaluated: 2020-12-10. Review status: criteria provided, single submitter. Criteria: ACMG Guidelines, 2015. Collection method: research. Allele origin: germline. Affected: yes. Observed: 1 variant allele. Study: WIN study.

Illumina Laboratory Services, Illumina
Classification: Pathogenic for von Willebrand disorder. Last evaluated: 2018-08-14. Review status: criteria provided, single submitter. Criteria: ICSL Variant Classification Criteria 09 May 2019. Collection method: clinical testing. Allele origin: germline.
Comment: The VWF c.7390C>T (p.Arg2464Cys) missense variant has been reported in six patients with type 1 von Willebrand disease (VWD), including in four in a heterozygous state, in one in a compound heterozygous state, and in one in a heterozygous state where the patient carried another missense variant but phase was not determined (Goodeve et al. 2007; James et al. 2007). At least two unrelated patients who were heterozygous for the p.Arg2464Cys variant each had two additional affected family members who carried the variant, while the compound heterozygote had three affected family members who carried the p.Arg2464Cys variant, though the authors did not state whether these individuals also carried the second missense variant; none of the unaffected members of these families carried the p.Arg2464Cys variant (Goodeve et al. 2007; Eikenboom et al. 2009). Control data are unavailable for this variant, which is reported at a frequency of 0.000167 in the African population from the Genome Aggregation Database. Following multimer profile assessment, three patients carrying the p.Arg2464Cys variant were shown to have abnormal multimers present (Goodeve et al. 2007). Transfection of COS-7 cells with the p.Arg2464Cys variant alone demonstrated secretion of all VWF multimers, but with an abnormal anodic migration (Eikenboom et al. 2009). Based on the collective evidence, the p.Arg2464Cys variant is classified as pathogenic for von Willebrand disease. This variant was observed by ICSL as part of a predisposition screen in an ostensibly healthy population.

Birmingham Platelet Group; University of Birmingham
Classification: Pathogenic for Thrombocytopenia; Abnormal bleeding. Last evaluated: 2020-05-01. Review status: no assertion criteria provided. Collection method: research. Allele origin: germline. Affected: yes. Not counted in ClinVar's aggregate classification.

Academic Unit of Haematology, University of Sheffield
No classification provided. Review status: no classification provided. Collection method: not provided. Allele origin: not provided. Not counted in ClinVar's aggregate classification.

Literature cited by the submitters: PubMed 17190853 (cited by 6 submitters); PubMed 19566550 (cited by 6 submitters); PubMed 31035301 (cited by Mayo Clinic Laboratories, Mayo Clinic); PubMed 33556167 (cited by 3 submitters); PubMed 34272389 (cited by 3 submitters); PubMed 17200787 (cited by Dasa and Quest Diagnostics Nichols Institute San Juan Capistrano); PubMed 16985174 (cited by 5 submitters); PubMed 18315556 (cited by 3 submitters); PubMed 31249928 (cited by 4 submitters); PubMed 32935436 (cited by Women's Health and Genetics/Laboratory Corporation of America, LabCorp and Quest Diagnostics Nichols Institute San Juan Capistrano); PubMed 26986123 (cited by Women's Health and Genetics/Laboratory Corporation of America, LabCorp); PubMed 18230755 (cited by Women's Health and Genetics/Laboratory Corporation of America, LabCorp); PubMed 11698279 (cited by Victorian Clinical Genetics Services, Murdoch Childrens Research Institute); PubMed 19372260 (cited by Victorian Clinical Genetics Services, Murdoch Childrens Research Institute); PubMed 30488424 (cited by Victorian Clinical Genetics Services, Murdoch Childrens Research Institute); PubMed 31589614 (cited by Quest Diagnostics Nichols Institute San Juan Capistrano); PubMed 27443694 (cited by Quest Diagnostics Nichols Institute San Juan Capistrano).